The following is an entry in ClinVar:

NM_004260.4(RECQL4):c.2708C>T (p.Ala903Val)

Gene: RECQL4 (RecQ like helicase 4; minus strand). Cytogenetic location: 8q24.3.
Variant type: single nucleotide variant.
Coding change: c.2708C>T on transcript NM_004260.4 (MANE Select); coding-DNA position 2708, C replaced by T.
Protein change: p.Ala903Val; replaces alanine 903 with valine.
Molecular consequence: missense variant.
Genome position (GRCh38, 1-based): chr8:144,512,894, G>A on the plus strand (C>T on the coding strand, the complement: RECQL4 is on the minus strand). VCF-style: chr8-144512894-G-A. GRCh37 (hg19) VCF-style: chr8-145738277-G-A.
Other names: c.2414C>T, p.Ala805Val (NM_001413017.1); c.2510C>T, p.Ala837Val (NM_001413018.1); c.2708C>T, p.Ala903Val (NM_001413019.1, NM_001413036.1); c.2612C>T, p.Ala871Val (NM_001413020.1); c.1637C>T, p.Ala546Val (NM_001413021.1, NM_001413022.1, NM_001413023.1 and 5 more transcripts); c.2579C>T, p.Ala860Val (NM_001413025.1); c.1505C>T, p.Ala502Val (NM_001413037.1); c.1439C>T, p.Ala480Val (NM_001413038.1, NM_001413031.1); and 6 more; short protein forms A414V, A480V, A502V, A524V, A536V, A546V, A786V, A805V.
Identifiers: ClinVar variation 1722066 (VCV001722066.5), dbSNP rs150308387, ClinGen allele CA187681434.

ClinVar aggregate classification (germline): Uncertain significance (1 of 4 stars; one submission).

Conditions:
Baller-Gerold syndrome (BGS). Also called: CRANIOSYNOSTOSIS WITH RADIAL DEFECTS. Identifiers: Orphanet 1225, MedGen C0265308, MONDO:0009039, OMIM 218600.

Allele frequency attached by ClinVar (database versions not stated): gnomAD exomes below 0.00001; gnomAD 0.00001; 1000 Genomes Project 30x 0.00016; 1000 Genomes Project 0.00020.
gnomAD v4.1: 3 of 1,592,100 alleles (0.00019%); highest among the groups gnomAD compares: Non-Finnish European, 0.00026%; no homozygotes.

Submission:

Labcorp Genetics (formerly Invitae), Labcorp
Classification: Uncertain significance for Baller-Gerold syndrome. Last evaluated: 2022-10-23. Review status: criteria provided, single submitter. Criteria: Invitae Variant Classification Sherloc (09022015). Collection method: clinical testing. Allele origin: germline.
Comment: In summary, the available evidence is currently insufficient to determine the role of this variant in disease. Therefore, it has been classified as a Variant of Uncertain Significance. Advanced modeling of protein sequence and biophysical properties (such as structural, functional, and spatial information, amino acid conservation, physicochemical variation, residue mobility, and thermodynamic stability) performed at Invitae indicates that this missense variant is not expected to disrupt RECQL4 protein function. This variant has not been reported in the literature in individuals affected with RECQL4-related conditions. This variant is not present in population databases (gnomAD no frequency). This sequence change replaces alanine, which is neutral and non-polar, with valine, which is neutral and non-polar, at codon 903 of the RECQL4 protein (p.Ala903Val).